The following is an entry in ClinVar:

NM_004168.4(SDHA):c.767C>T (p.Thr256Ile)

Gene: SDHA (succinate dehydrogenase complex flavoprotein subunit A; plus strand). Cytogenetic location: 5p15.33.
Variant type: single nucleotide variant.
Coding change: c.767C>T on transcript NM_004168.4 (MANE Select); coding-DNA position 767, C replaced by T.
Protein change: p.Thr256Ile; replaces threonine 256 with isoleucine.
Molecular consequence: missense variant.
Genome position (GRCh38, 1-based): chr5:228,330, C>T. VCF-style: chr5-228330-C-T. GRCh37 (hg19) VCF-style: chr5-228445-C-T.
Other names: c.623C>T, p.Thr208Ile (NM_001294332.2); c.767C>T, p.Thr256Ile (NM_001330758.2); c.767C>T (NM_004168.2); short protein forms T256I, T208I.
Identifiers: ClinVar variation 1479034 (VCV001479034.9), dbSNP rs2126559328, ClinGen allele CA359011257.

ClinVar aggregate classification (germline): Uncertain significance. Review status: criteria provided, multiple submitters, no conflicts (2 of 4 stars). 2 submissions from 2 submitters: Uncertain significance (2). Last evaluated 2024-05-28.

Conditions:
Mitochondrial complex II deficiency, nuclear type 1. Also called: SUCCINATE CoQ REDUCTASE DEFICIENCY. Identifiers: Orphanet 3208, MedGen C5700310, MONDO:0100294, OMIM 252011.
Pheochromocytoma/paraganglioma syndrome 5. Also called: Paragangliomas 5; SDHA-Related Hereditary Paraganglioma-Pheochromocytoma Syndrome. Identifiers: Orphanet 29072, MedGen C3279992, MONDO:0013602, OMIM 614165.
Hereditary cancer-predisposing syndrome. Also called: Neoplastic Syndromes, Hereditary; Hereditary Cancer Syndrome; Hereditary neoplastic syndrome; Tumor predisposition. Identifiers: Orphanet 140162, MedGen C0027672, MeSH D009386, MONDO:0015356.

gnomAD v4.1: 1 of 1,613,680 alleles (0.000062%); highest among the groups gnomAD compares: Non-Finnish European, 0.000085%; no homozygotes.

Submissions (2):

Ambry Genetics
Classification: Uncertain significance for Hereditary cancer-predisposing syndrome. Last evaluated: 2024-05-28. Review status: criteria provided, single submitter. Criteria: Ambry Variant Classification Scheme 2023. Collection method: clinical testing. Allele origin: germline.
Comment: The p.T256I variant (also known as c.767C>T), located in coding exon 6 of the SDHA gene, results from a C to T substitution at nucleotide position 767. The threonine at codon 256 is replaced by isoleucine, an amino acid with similar properties. This amino acid position is highly conserved in available vertebrate species. In addition, this alteration is predicted to be deleterious by in silico analysis. Based on the available evidence, the clinical significance of this variant remains unclear.

Labcorp Genetics (formerly Invitae), Labcorp
Classification: Uncertain significance for Pheochromocytoma/paraganglioma syndrome 5; Mitochondrial complex II deficiency, nuclear type 1. Last evaluated: 2020-11-25. Review status: criteria provided, single submitter. Criteria: Invitae Variant Classification Sherloc (09022015). Collection method: clinical testing. Allele origin: germline.
Comment: This sequence change replaces threonine with isoleucine at codon 256 of the SDHA protein (p.Thr256Ile). The threonine residue is highly conserved and there is a moderate physicochemical difference between threonine and isoleucine. This variant is not present in population databases (ExAC no frequency). This variant has been observed in individual(s) with gastrointestinal stromal tumor (GIST) (PMID: 23282968). Algorithms developed to predict the effect of missense changes on protein structure and function are either unavailable or do not agree on the potential impact of this missense change (SIFT: "Deleterious"; PolyPhen-2: "Possibly Damaging"; Align-GVGD: "Class C0"). In summary, the available evidence is currently insufficient to determine the role of this variant in disease. Therefore, it has been classified as a Variant of Uncertain Significance.

Literature cited by the submitters: PubMed 23282968 (cited by Labcorp Genetics (formerly Invitae), Labcorp).